The following is an entry in ClinVar:

NM_005379.4(MYO1A):c.2130C>A (p.Gly710=)

Gene: MYO1A (myosin IA; minus strand). Cytogenetic location: 12q13.3.
Variant type: single nucleotide variant.
Coding change: c.2130C>A on transcript NM_005379.4 (MANE Select); coding-DNA position 2130, C replaced by A.
Protein change: p.Gly710=; no amino-acid change (glycine 710 retained).
Molecular consequence: synonymous variant.
Genome position (GRCh38, 1-based): chr12:57,037,017, G>T on the plus strand (C>A on the coding strand, the complement: MYO1A is on the minus strand). VCF-style: chr12-57037017-G-T. GRCh37 (hg19) VCF-style: chr12-57430801-G-T.
Other names: c.2130C>A, p.Gly710= (NM_001256041.2).
Identifiers: ClinVar variation 668394 (VCV000668394.1), dbSNP rs1592474238, ClinGen allele CA480242606.

ClinVar aggregate classification (germline): Likely benign (1 of 4 stars; one submission).

Submission:

GeneDx
Classification: Likely benign. Last evaluated: 2018-05-23. Review status: criteria provided, single submitter. Criteria: GeneDx Variant Classification (06012015). Collection method: clinical testing. Allele origin: germline. Affected: yes.
Comment: This variant is considered likely benign or benign based on one or more of the following criteria: it is a conservative change, it occurs at a poorly conserved position in the protein, it is predicted to be benign by multiple in silico algorithms, and/or has population frequency not consistent with disease.